The following is an entry in ClinVar:

ClinVar aggregate classification (germline): Uncertain significance. Review status: criteria provided, multiple submitters, no conflicts (2 of 4 stars). 2 submissions from 2 submitters: Uncertain significance (2). Last evaluated 2022-01-11.

Conditions:
Cardiovascular phenotype. Identifiers: MedGen CN230736.
Dilated cardiomyopathy 1JJ (CMD1JJ). Identifiers: Orphanet 154, MedGen C3808935, MONDO:0014095, OMIM 615235.

Allele frequency attached by ClinVar (database versions not stated): ESP Exome Variant Server 0.00015.

Submissions (2):

Labcorp Genetics (formerly Invitae), Labcorp
Classification: Uncertain significance for Dilated cardiomyopathy 1JJ. Last evaluated: 2022-01-11. Review status: criteria provided, single submitter. Criteria: Invitae Variant Classification Sherloc (09022015). Collection method: clinical testing. Allele origin: germline.
Comment: In summary, the available evidence is currently insufficient to determine the role of this variant in disease. Therefore, it has been classified as a Variant of Uncertain Significance. Algorithms developed to predict the effect of missense changes on protein structure and function (SIFT, PolyPhen-2, Align-GVGD) all suggest that this variant is likely to be disruptive. This variant has not been reported in the literature in individuals affected with LAMA4-related conditions. This variant is not present in population databases (gnomAD no frequency). This sequence change replaces glycine, which is neutral and non-polar, with glutamic acid, which is acidic and polar, at codon 1271 of the LAMA4 protein (p.Gly1271Glu).

Ambry Genetics
Classification: Uncertain significance for Cardiovascular phenotype. Last evaluated: 2019-10-24. Review status: criteria provided, single submitter. Criteria: Ambry Variant Classification Scheme 2023. Collection method: clinical testing. Allele origin: germline.
Comment: The p.G1271E variant (also known as c.3812G>A), located in coding exon 27 of the LAMA4 gene, results from a G to A substitution at nucleotide position 3812. The glycine at codon 1271 is replaced by glutamic acid, an amino acid with similar properties. This amino acid position is highly conserved in available vertebrate species. In addition, the in silico prediction for this alteration is inconclusive. Since supporting evidence is limited at this time, the clinical significance of this alteration remains unclear.

NM_001105206.3(LAMA4):c.3833G>A (p.Gly1278Glu)

Gene: LAMA4 (laminin subunit alpha 4; minus strand). Cytogenetic location: 6q21.
Variant type: single nucleotide variant.
Coding change: c.3833G>A on transcript NM_001105206.3 (MANE Select); coding-DNA position 3833, G replaced by A.
Protein change: p.Gly1278Glu; replaces glycine 1278 with glutamic acid.
Molecular consequence: missense variant.
Genome position (GRCh38, 1-based): chr6:112,132,754, C>T on the plus strand (G>A on the coding strand, the complement: LAMA4 is on the minus strand). VCF-style: chr6-112132754-C-T. GRCh37 (hg19) VCF-style: chr6-112453956-C-T.
Other names: c.3812G>A, p.Gly1271Glu (NM_001105207.3, NM_002290.5); short protein forms G1271E, G1278E.
Identifiers: ClinVar variation 1735168 (VCV001735168.7), dbSNP rs145667904, ClinGen allele CA144888030.